The following is an entry in ClinVar:

ClinVar aggregate classification (germline): Benign (0 of 4 stars; one submission).

Conditions:
MUC16-related disorder. Also called: MUC16-related condition.

Allele frequency attached by ClinVar (database versions not stated): 1000 Genomes Project 0.43830; 1000 Genomes Project 30x 0.44051; TOPMed 0.50704; gnomAD 0.51002; ExAC 0.51524; ESP Exome Variant Server 0.54481; gnomAD exomes 0.56522.

Submission:

PreventionGenetics, part of Exact Sciences
Classification: Benign for MUC16-related condition. Last evaluated: 2019-10-17. Review status: no assertion criteria provided. Collection method: clinical testing. Allele origin: germline.
Comment: This variant is classified as benign based on ACMG/AMP sequence variant interpretation guidelines (Richards et al. 2015 PMID: 25741868, with internal and published modifications).

NM_001401501.2(MUC16):c.12220A>T (p.Ile4074Phe)

Gene: MUC16 (mucin 16, cell surface associated; minus strand). Cytogenetic location: 19p13.2.
Variant type: single nucleotide variant.
Coding change: c.12220A>T on transcript NM_001401501.2 (MANE Select); coding-DNA position 12220, A replaced by T.
Protein change: p.Ile4074Phe; replaces isoleucine 4074 with phenylalanine.
Molecular consequence: missense variant.
Genome position (GRCh38, 1-based): chr19:8,964,670, T>A on the plus strand (A>T on the coding strand, the complement: MUC16 is on the minus strand). VCF-style: chr19-8964670-T-A. GRCh37 (hg19) VCF-style: chr19-9075346-T-A.
Other names: c.12646A>T, p.Ile4216Phe (NM_001414686.1); c.12100A>T, p.Ile4034Phe (NM_001414687.1, NM_024690.2); short protein forms I4034F, I4074F, I4216F.
Identifiers: ClinVar variation 3059888 (VCV003059888.2), dbSNP rs2591592, ClinGen allele CA9171100.